The following is an entry in ClinVar:

ClinVar aggregate classification (germline): Uncertain significance (1 of 4 stars; one submission).

Conditions:
Cardiomyopathy (CMYO). Also called: Cardiomyopathies. Identifiers: Orphanet 167848, MedGen C0878544, MONDO:0004994, HP:0001638. Inheritance: Various modes of inheritance.

Submission:

Color Diagnostics, LLC DBA Color Health
Classification: Uncertain significance for Cardiomyopathy. Last evaluated: 2019-05-02. Review status: criteria provided, single submitter. Criteria: ACMG Guidelines, 2015. Collection method: clinical testing. Allele origin: germline.
Comment: This variant is located in intron 7 of the TPM1 gene. Computational splicing tools are inconclusive regarding the impact of this variant on RNA splicing. To our knowledge, functional assays have not been performed for this variant nor has this variant been reported in individuals affected with cardiovascular disorders in the literature. This variant has not been identified in the general population by the Genome Aggregation Database (gnomAD). Available evidence is insufficient to determine the role of this variant in disease conclusively. Therefore, this variant is classified as a Variant of Uncertain Significance.

NM_001018005.2(TPM1):c.703-8C>G

Gene: TPM1 (tropomyosin 1; plus strand). Cytogenetic location: 15q22.2.
Variant type: single nucleotide variant.
Coding change: c.703-8C>G on transcript NM_001018005.2 (MANE Select); 8 bases into the intron before coding-DNA position 703, C replaced by G.
Molecular consequence: intron variant.
Genome position (GRCh38, 1-based): chr15:63,062,568, C>G. VCF-style: chr15-63062568-C-G. GRCh37 (hg19) VCF-style: chr15-63354767-C-G.
Other names: c.829-8C>G (NM_001365778.1); c.703-8C>G (NM_001018020.2, NM_001018007.2, NM_001018006.2 and 6 more transcripts); c.595-8C>G (NM_001330351.2, NM_001330344.2, NM_001018008.2 and 5 more transcripts).
Identifiers: ClinVar variation 924502 (VCV000924502.3), dbSNP rs2035786670, ClinGen allele CA913188670.
Genomic context (GRCh38, chr15:63,062,568, plus strand): 5'-TTTTCCCTATGTTTGTAGCTACAGGAAACATAAAACTTCCCAACTTTAACTCAAATAAAT[C>G]ATTACAGGCTGAGACTCGGGCTGAGTTTGCGGAGAGGTCAGTAACTAAATTGGAGAAAAG-3'